The following is an entry in ClinVar:

ClinVar aggregate classification (germline): Uncertain significance. Review status: criteria provided, multiple submitters, no conflicts (2 of 4 stars). 2 submissions from 2 submitters: Uncertain significance (2). Last evaluated 2024-03-05.

Conditions:
Malignant hyperthermia, susceptibility to, 1 (MHS1). Also called: Anesthesia related hyperthermia; Malignant hyperpyrexia; Fulminating hyperpyrexia; Pharmacogenic myopathy; RYR1-Related Malignant Hyperthermia Susceptibility; Malignant hyperthermia suceptibility 1. Identifiers: Orphanet 423, MedGen C2930980, MONDO:0007783, OMIM 145600.

gnomAD v4.1: 1 of 1,613,704 alleles (0.000062%); highest among the groups gnomAD compares: Non-Finnish European, 0.000085%; no homozygotes.

Submissions (2):

All of Us Research Program, National Institutes of Health
Classification: Uncertain significance for Malignant hyperthermia, susceptibility to, 1. Last evaluated: 2024-03-05. Review status: criteria provided, single submitter. Criteria: ACMG Guidelines, 2015. Collection method: clinical testing. Allele origin: germline. Inheritance: Autosomal dominant inheritance. Observed: 1 variant allele, 1 heterozygote.
Comment: This study involves interpretation of variants in research participants for the purpose of population health screening. Participant phenotype was not available at the time of variant classification. Additional details can be found in publication PMID: 35346344, PMCID: PMC8962531

Revvity Omics, Revvity
Classification: Uncertain significance. Last evaluated: 2023-11-02. Review status: criteria provided, single submitter. Criteria: ACMG Guidelines, 2015. Collection method: clinical testing. Allele origin: germline.

NM_000540.3(RYR1):c.3775G>T (p.Val1259Leu)

Gene: RYR1 (ryanodine receptor 1; plus strand). Cytogenetic location: 19q13.2.
Variant type: single nucleotide variant.
Coding change: c.3775G>T on transcript NM_000540.3 (MANE Select); coding-DNA position 3775, G replaced by T.
Protein change: p.Val1259Leu; replaces valine 1259 with leucine.
Molecular consequence: missense variant.
Genome position (GRCh38, 1-based): chr19:38,473,386, G>T. VCF-style: chr19-38473386-G-T. GRCh37 (hg19) VCF-style: chr19-38964026-G-T.
Other names: c.3775G>T, p.Val1259Leu (NM_001042723.2); short protein forms V1259L.
Identifiers: ClinVar variation 3387693 (VCV003387693.2).